The following is an entry in ClinVar:

NM_018979.4(WNK1):c.2267A>C (p.Gln756Pro)

Gene: WNK1 (WNK lysine deficient protein kinase 1; plus strand). Cytogenetic location: 12p13.33.
Variant type: single nucleotide variant.
Coding change: c.2267A>C on transcript NM_018979.4 (MANE Select); coding-DNA position 2267, A replaced by C.
Protein change: p.Gln756Pro; replaces glutamine 756 with proline.
Molecular consequence: missense variant.
Genome position (GRCh38, 1-based): chr12:878,255, A>C. VCF-style: chr12-878255-A-C. GRCh37 (hg19) VCF-style: chr12-987421-A-C.
Other names: c.3506A>C, p.Gln1169Pro (NM_001184985.2); c.2264A>C, p.Gln755Pro (NM_014823.3); c.3761A>C, p.Gln1254Pro (NM_213655.5); short protein forms Q755P, Q756P, Q1169P, Q1254P.
Identifiers: ClinVar variation 1028132 (VCV001028132.1), dbSNP rs776731718, ClinGen allele CA383325653.

ClinVar aggregate classification (germline): Uncertain significance (1 of 4 stars; one submission).

Conditions:
Neuropathy, hereditary sensory and autonomic, type 2A (HSAN2A). Also called: MORVAN DISEASE; NEUROPATHY, CONGENITAL SENSORY; NEUROPATHY, HEREDITARY SENSORY RADICULAR, AUTOSOMAL RECESSIVE; NEUROPATHY, HEREDITARY SENSORY, TYPE IIA; NEUROPATHY, PROGRESSIVE SENSORY, OF CHILDREN; WNK1-Related HSAN2 (HSAN2A). Identifiers: Orphanet 970, MedGen C2752089, MONDO:0024309, OMIM 201300.

Submission:

Baylor Genetics
Classification: Uncertain significance for Neuropathy, hereditary sensory and autonomic, type 2A. Last evaluated: 2020-02-21. Review status: criteria provided, single submitter. Criteria: ACMG Guidelines, 2015. Collection method: clinical testing. Allele origin: unknown. Affected: yes.
Comment: This variant was determined to be of uncertain significance according to ACMG Guidelines, 2015 [PMID:25741868].